The following is an entry in ClinVar:

ClinVar aggregate classification (germline): Uncertain significance (1 of 4 stars; one submission).

Submission:

Women's Health and Genetics/Laboratory Corporation of America, LabCorp
Classification: Uncertain significance. Last evaluated: 2024-07-11. Review status: criteria provided, single submitter. Criteria: LabCorp Variant Classification Summary - May 2015. Collection method: clinical testing. Allele origin: germline.
Comment: Variant summary: TGM1 c.401A>T (p.Tyr134Phe) results in a conservative amino acid change located in the Transglutaminase-like domain (IPR002931) of the encoded protein sequence. Four of five in-silico tools predict a benign effect of the variant on protein function. The variant was absent in 251446 control chromosomes. To our knowledge, no occurrence of c.401A>T in individuals affected with Lamellar Ichthyosis and no experimental evidence demonstrating its impact on protein function have been reported. Different amino acids affecting the same codon (c.401A>G, p.Y134C and c.400T>C, p.Y134H) have been classified as Pathogenic in ClinVar supporting a critical relevance of this residue to TGM1 protein function. No submitters have cited clinical-significance assessments for this variant to ClinVar. Based on the evidence outlined above, the variant was classified as VUS-possibly pathogenic.

NM_000359.3(TGM1):c.401A>T (p.Tyr134Phe)

Gene: TGM1 (transglutaminase 1; minus strand). Cytogenetic location: 14q12.
Variant type: single nucleotide variant.
Coding change: c.401A>T on transcript NM_000359.3 (MANE Select); coding-DNA position 401, A replaced by T.
Protein change: p.Tyr134Phe; replaces tyrosine 134 with phenylalanine.
Molecular consequence: missense variant.
Genome position (GRCh38, 1-based): chr14:24,261,802, T>A on the plus strand (A>T on the coding strand, the complement: TGM1 is on the minus strand). VCF-style: chr14-24261802-T-A. GRCh37 (hg19) VCF-style: chr14-24731008-T-A.
Other names: short protein forms Y134F.
Identifiers: ClinVar variation 3338936 (VCV003338936.1).
Genomic context (GRCh38, chr14:24,261,802, plus strand): 5'-GACAGGAGGAGGAGCATATGGAAAGGCTGCCCGCGGCGCACTATCAGCTCGTCGTACTCA[T>A]ACTCGTCTGTGTGGTGCTCTCGGCGGTTCTGGTCCGAGCGCGAGCTCAGCAAGTCCACAC-3'
Protein context (NP_000350.1, residues 124-144): QNRREHHTDE[Tyr134Phe]EYDELIVRRG